The following is an entry in ClinVar:

ClinVar aggregate classification (germline): Uncertain significance. Review status: criteria provided, multiple submitters, no conflicts (2 of 4 stars). 3 submissions from 3 submitters: Uncertain significance (3). Last evaluated 2022-09-30.

Conditions:
Hereditary cancer-predisposing syndrome. Also called: Hereditary neoplastic syndrome; Neoplastic Syndromes, Hereditary; Tumor predisposition; Hereditary Cancer Syndrome. Identifiers: Orphanet 140162, MedGen C0027672, MeSH D009386, MONDO:0015356.
Microcephaly, normal intelligence and immunodeficiency (NBS). Also called: IMMUNODEFICIENCY, MICROCEPHALY, AND CHROMOSOMAL INSTABILITY; SEEMANOVA SYNDROME II; Nijmegen breakage syndrome; Microcephaly with normal intelligence immunodeficiency and lymphoreticular malignancies; Nonsyndromal microcephaly autosomal recessive with normal intelligence; Seemanova syndrome 2. Identifiers: Orphanet 647, MedGen C0398791, MONDO:0009623, OMIM 251260.

Allele frequency attached by ClinVar (database versions not stated): gnomAD exomes below 0.00001; gnomAD 0.00001.
gnomAD v4.1: 3 of 1,613,606 alleles (0.00019%); highest among the groups gnomAD compares: Non-Finnish European, 0.00025%; no homozygotes.

Submissions (3):

Ambry Genetics
Classification: Uncertain significance for Hereditary cancer-predisposing syndrome. Last evaluated: 2022-09-30. Review status: criteria provided, single submitter. Criteria: Ambry Variant Classification Scheme 2023. Collection method: clinical testing. Allele origin: germline.
Comment: The p.H540Y variant (also known as c.1618C>T), located in coding exon 11 of the NBN gene, results from a C to T substitution at nucleotide position 1618. The histidine at codon 540 is replaced by tyrosine, an amino acid with similar properties. In one study, this alteration was observed in 1/3236 cases with invasive epithelial ovarian cancer and 0/3431 controls (Ramus SJ et al. J Natl Cancer Inst, 2015 Nov;107:). This amino acid position is poorly conserved in available vertebrate species. In addition, this alteration is predicted to be tolerated by in silico analysis. Since supporting evidence is limited at this time, the clinical significance of this alteration remains unclear.

Genome-Nilou Lab
Classification: Uncertain significance for Microcephaly, normal intelligence and immunodeficiency. Last evaluated: 2021-11-07. Review status: criteria provided, single submitter. Criteria: ACMG Guidelines, 2015. Collection method: clinical testing. Allele origin: germline. Affected: no.

Labcorp Genetics (formerly Invitae), Labcorp
Classification: Uncertain significance for Microcephaly, normal intelligence and immunodeficiency. Last evaluated: 2020-10-27. Review status: criteria provided, single submitter. Criteria: Invitae Variant Classification Sherloc (09022015). Collection method: clinical testing. Allele origin: germline.
Comment: In summary, this variant is a novel missense change that is not predicted to affect protein function. There is no indication that it causes disease, but the available evidence is currently insufficient to prove that conclusively. Therefore, it has been classified as a Variant of Uncertain Significance. Algorithms developed to predict the effect of missense changes on protein structure and function (SIFT, PolyPhen-2, Align-GVGD) all suggest that this variant is likely to be tolerated, but these predictions have not been confirmed by published functional studies. This variant is not present in population databases (ExAC no frequency) and has not been reported in the literature in individuals with an NBN-related disease. This sequence change replaces histidine with tyrosine at codon 540 of the NBN protein (p.His540Tyr). The histidine residue is weakly conserved and there is a moderate physicochemical difference between histidine and tyrosine.

Literature cited by the submitters: PubMed 26315354 (cited by Ambry Genetics).

NM_002485.5(NBN):c.1618C>T (p.His540Tyr)

Gene: NBN (nibrin; minus strand). Cytogenetic location: 8q21.3.
Variant type: single nucleotide variant.
Coding change: c.1618C>T on transcript NM_002485.5 (MANE Select); coding-DNA position 1618, C replaced by T.
Protein change: p.His540Tyr; replaces histidine 540 with tyrosine.
Molecular consequence: missense variant.
Genome position (GRCh38, 1-based): chr8:89,953,471, G>A on the plus strand (C>T on the coding strand, the complement: NBN is on the minus strand). VCF-style: chr8-89953471-G-A. GRCh37 (hg19) VCF-style: chr8-90965699-G-A.
Other names: c.1372C>T, p.His458Tyr (NM_001024688.3); short protein forms H540Y, H458Y.
Identifiers: ClinVar variation 461517 (VCV000461517.14), dbSNP rs1554558393, ClinGen allele CA371655467.